The following is an entry in ClinVar:

NM_006648.4(WNK2):c.2161C>T (p.Pro721Ser)

Gene: WNK2 (WNK lysine deficient protein kinase 2; plus strand). Cytogenetic location: 9q22.31.
Variant type: single nucleotide variant.
Coding change: c.2161C>T on transcript NM_006648.4 (MANE Select); coding-DNA position 2161, C replaced by T.
Protein change: p.Pro721Ser; replaces proline 721 with serine.
Molecular consequence: missense variant.
Genome position (GRCh38, 1-based): chr9:93,256,425, C>T. VCF-style: chr9-93256425-C-T. GRCh37 (hg19) VCF-style: chr9-96018707-C-T.
Other names: c.2161C>T, p.Pro721Ser (NM_001282394.3); short protein forms P721S.
Identifiers: ClinVar variation 4866679 (VCV004866679.1).

ClinVar aggregate classification (germline): Uncertain significance (1 of 4 stars; one submission).

gnomAD v4.1: 4 of 1,535,368 alleles (0.00026%); highest among the groups gnomAD compares: Non-Finnish European, 0.00035%; no homozygotes.

Submission:

Ambry Genetics
Classification: Uncertain significance. Last evaluated: 2026-05-17. Review status: criteria provided, single submitter. Criteria: Ambry Variant Classification Scheme 2023. Collection method: clinical testing. Allele origin: germline.
Comment: The p.P721S variant (also known as c.2161C>T), located in coding exon 9 of the WNK2 gene, results from a C to T substitution at nucleotide position 2161. The proline at codon 721 is replaced by serine, an amino acid with similar properties. This amino acid position is conserved. In addition, this alteration is predicted to be tolerated by in silico analysis. Based on the available evidence, the clinical significance of this variant remains unclear.